The following is an entry in ClinVar:

ClinVar aggregate classification (germline): Benign/Likely benign. Review status: criteria provided, multiple submitters, no conflicts (2 of 4 stars). 5 submissions from 5 submitters: Benign (2); Likely benign (3). Last evaluated 2026-02-03.

Conditions:
Spermatogenic failure 18. Identifiers: MedGen C4539783, MONDO:0054615, OMIM 617576.
Ciliary dyskinesia, primary, 37 (CILD37). Also called: CILIARY DYSKINESIA, PRIMARY, 37, WITH OR WITHOUT SITUS INVERSUS. Identifiers: MedGen C4539798, MONDO:0033204, OMIM 617577.

Allele frequency attached by ClinVar (database versions not stated): gnomAD exomes 0.00089 and 0.00191; ExAC 0.00239; 1000 Genomes Project 30x 0.00593; 1000 Genomes Project 0.00599; gnomAD 0.00782 and 0.00845; ESP Exome Variant Server 0.00804; TOPMed 0.00899.
gnomAD v4.1: 2,534 of 1,613,528 alleles (0.16%); highest among the groups gnomAD compares: African/African-American, 2.6%; 32 homozygotes.

Submissions (5):

Labcorp Genetics (formerly Invitae), Labcorp
Classification: Benign for Ciliary dyskinesia, primary, 37; Spermatogenic failure 18. Last evaluated: 2026-02-03. Review status: criteria provided, single submitter. Criteria: Invitae Variant Classification Sherloc (09022015). Collection method: clinical testing. Allele origin: germline.

Genomic Medicine Center of Excellence, King Faisal Specialist Hospital and Research Centre
Classification: Likely benign. Last evaluated: 2025-08-18. Review status: criteria provided, single submitter. Criteria: ACMG Guidelines, 2015. Collection method: clinical testing. Allele origin: germline.

Mayo Clinic Laboratories, Mayo Clinic
Classification: Benign. Last evaluated: 2025-01-29. Review status: criteria provided, single submitter. Criteria: ACMG Guidelines, 2015. Collection method: clinical testing. Allele origin: germline. Observed: 2 variant alleles.
Comment: BA1, BS2_supporting, BP4_moderate

GeneDx
Classification: Likely benign. Last evaluated: 2018-07-05. Review status: criteria provided, single submitter. Criteria: GeneDx Variant Classification Process June 2021. Collection method: clinical testing. Allele origin: germline. Affected: yes.

Breakthrough Genomics
Classification: Likely benign. Review status: criteria provided, single submitter. Criteria: ACMG Guidelines, 2015. Collection method: not provided. Allele origin: germline. Inheritance: Autosomal recessive inheritance. Affected: yes.

NM_015512.5(DNAH1):c.8215A>G (p.Ile2739Val)

Gene: DNAH1 (dynein axonemal heavy chain 1; plus strand). Cytogenetic location: 3p21.1.
Variant type: single nucleotide variant.
Coding change: c.8215A>G on transcript NM_015512.5 (MANE Select); coding-DNA position 8215, A replaced by G.
Protein change: p.Ile2739Val; replaces isoleucine 2739 with valine.
Molecular consequence: missense variant.
Genome position (GRCh38, 1-based): chr3:52,383,924, A>G. VCF-style: chr3-52383924-A-G. GRCh37 (hg19) VCF-style: chr3-52417940-A-G.
Other names: p.Ile2739Val; short protein forms I2739V.
Identifiers: ClinVar variation 478498 (VCV000478498.17), dbSNP rs61734631, ClinGen allele CA2435138.